The following is an entry in ClinVar:

NM_000257.4(MYH7):c.3193A>G (p.Ser1065Gly)

Gene: MYH7 (myosin heavy chain 7; minus strand). Cytogenetic location: 14q11.2.
Variant type: single nucleotide variant.
Coding change: c.3193A>G on transcript NM_000257.4 (MANE Select); coding-DNA position 3193, A replaced by G.
Protein change: p.Ser1065Gly; replaces serine 1065 with glycine.
Molecular consequence: missense variant.
Genome position (GRCh38, 1-based): chr14:23,422,232, T>C on the plus strand (A>G on the coding strand, the complement: MYH7 is on the minus strand). VCF-style: chr14-23422232-T-C. GRCh37 (hg19) VCF-style: chr14-23891441-T-C.
Other names: c.3193A>G, p.Ser1065Gly (NM_001407004.1); short protein forms S1065G.
Identifiers: ClinVar variation 3074146 (VCV003074146.1), dbSNP rs1399305722, ClinGen allele CA389045245.

ClinVar aggregate classification (germline): Uncertain significance (1 of 4 stars; one submission).

Conditions:
Cardiomyopathy (CMYO). Also called: Cardiomyopathies. Identifiers: Orphanet 167848, MedGen C0878544, MONDO:0004994, HP:0001638. Inheritance: Various modes of inheritance.

Allele frequency attached by ClinVar (database versions not stated): TOPMed below 0.00001.

Submission:

All of Us Research Program, National Institutes of Health
Classification: Uncertain significance for Cardiomyopathy. Last evaluated: 2023-10-23. Review status: criteria provided, single submitter. Criteria: ACMG Guidelines, 2015. Collection method: clinical testing. Allele origin: germline. Inheritance: Autosomal dominant inheritance. Observed: 1 variant allele, 1 heterozygote.
Comment: This missense variant replaces serine with glycine at codon 1065 of the MYH7 protein. Computational prediction suggests that this variant may not impact protein structure and function (internally defined REVEL score threshold <= 0.5, PMID: 27666373). To our knowledge, functional studies have not been reported for this variant. This variant has not been reported in individuals affected with MYH7-related disorders in the literature. This variant has not been identified in the general population by the Genome Aggregation Database (gnomAD). The available evidence is insufficient to determine the role of this variant in disease conclusively. Therefore, this variant is classified as a Variant of Uncertain Significance.

This study involves interpretation of variants in research participants for the purpose of population health screening. Participant phenotype was not available at the time of variant classification. Additional details can be found in publication PMID: 35346344, PMCID: PMC8962531